The following is an entry in ClinVar:

NM_033305.3(VPS13A):c.6876_6877del (p.Tyr2292_Gln2293delinsTer)

Gene: VPS13A (vacuolar protein sorting 13 homolog A; plus strand). Cytogenetic location: 9q21.2.
Variant type: Deletion.
Coding change: c.6876_6877del on transcript NM_033305.3 (MANE Select); coding-DNA positions 6876 to 6877, 2 bases deleted (TC; older notation c.6876_6877delTC).
Protein change: p.Tyr2292_Gln2293delinsTer.
Molecular consequence: nonsense.
Genome position (GRCh38, 1-based): chr9:77,340,279-77,340,280, TC deleted. VCF-style (leftmost placement, unchanged base first): chr9-77340278-ATC-A. GRCh37 (hg19) VCF-style: chr9-79955194-ATC-A.
Other names: c.6759_6760del, p.Tyr2253_Gln2254delinsTer (NM_001018037.2); c.6876_6877del, p.Tyr2292_Gln2293delinsTer (NM_001018038.3, NM_015186.4).
Identifiers: ClinVar variation 2105803 (VCV002105803.4), dbSNP rs2538079136, ClinGen allele CA2580080603.

ClinVar aggregate classification (germline): Pathogenic (1 of 4 stars; one submission).

Submission:

Labcorp Genetics (formerly Invitae), Labcorp
Classification: Pathogenic. Last evaluated: 2022-03-02. Review status: criteria provided, single submitter. Criteria: Invitae Variant Classification Sherloc (09022015). Collection method: clinical testing. Allele origin: germline.
Comment: For these reasons, this variant has been classified as Pathogenic. This variant has not been reported in the literature in individuals affected with VPS13A-related conditions. This variant is not present in population databases (gnomAD no frequency). This sequence change creates a premature translational stop signal (p.Tyr2292*) in the VPS13A gene. It is expected to result in an absent or disrupted protein product. Loss-of-function variants in VPS13A are known to be pathogenic (PMID: 12404112, 21598378).

Literature cited by the submitters: PubMed 12404112; PubMed 21598378.